The following is an entry in ClinVar:

NM_001164508.2(NEB):c.6869C>T (p.Ala2290Val)

Gene: NEB (nebulin; minus strand). Cytogenetic location: 2q23.3.
Variant type: single nucleotide variant.
Coding change: c.6869C>T on transcript NM_001164508.2 (MANE Select); coding-DNA position 6869, C replaced by T.
Protein change: p.Ala2290Val; replaces alanine 2290 with valine.
Molecular consequence: missense variant.
Genome position (GRCh38, 1-based): chr2:151,654,038, G>A on the plus strand (C>T on the coding strand, the complement: NEB is on the minus strand). VCF-style: chr2-151654038-G-A. GRCh37 (hg19) VCF-style: chr2-152510552-G-A.
Other names: c.6869C>T, p.Ala2290Val (NM_001164507.2, NM_001271208.2, NM_004543.5); short protein forms A2290V.
Identifiers: ClinVar variation 257828 (VCV000257828.13), dbSNP rs756114192, ClinGen allele CA1909979.

ClinVar aggregate classification (germline): Conflicting classifications of pathogenicity. Review status: criteria provided, conflicting classifications (1 of 4 stars). 4 submissions from 4 submitters: Uncertain significance (2); Likely benign (2). Last evaluated 2025-12-16.

Conditions:
Nemaline myopathy 2 (NEM2). Also called: Nemaline myopathy 2, autosomal recessive. Identifiers: MedGen C1850569, MONDO:0009725, OMIM 256030.

Allele frequency attached by ClinVar (database versions not stated): gnomAD exomes below 0.00001 and 0.00001; ExAC 0.00001; gnomAD 0.00001 and 0.00002; TOPMed 0.00002.
gnomAD v4.1: 8 of 1,612,472 alleles (0.0005%); highest among the groups gnomAD compares: African/African-American, 0.0067%; no homozygotes.

Submissions (4):

Labcorp Genetics (formerly Invitae), Labcorp
Classification: Likely benign for Nemaline myopathy 2. Last evaluated: 2025-12-16. Review status: criteria provided, single submitter. Criteria: Invitae Variant Classification Sherloc (09022015). Collection method: clinical testing. Allele origin: germline.

Revvity Omics, Revvity
Classification: Uncertain significance. Last evaluated: 2024-02-04. Review status: criteria provided, single submitter. Criteria: ACMG Guidelines, 2015. Collection method: clinical testing. Allele origin: germline.

GeneDx
Classification: Uncertain significance. Last evaluated: 2019-12-11. Review status: criteria provided, single submitter. Criteria: GeneDx Variant Classification Process June 2021. Collection method: clinical testing. Allele origin: germline. Affected: yes.
Comment: Has not been previously published as pathogenic or benign to our knowledge; Not observed at a significant frequency in large population cohorts (Lek et al., 2016); In silico analysis, which includes protein predictors and evolutionary conservation, supports that this variant does not alter protein structure/function

PreventionGenetics, part of Exact Sciences
Classification: Likely benign. Review status: criteria provided, single submitter. Criteria: ACMG Guidelines, 2015. Collection method: clinical testing. Allele origin: germline.